The following is an entry in ClinVar:

ClinVar aggregate classification (germline): Uncertain significance. Review status: criteria provided, multiple submitters, no conflicts (2 of 4 stars). 2 submissions from 2 submitters: Uncertain significance (2). Last evaluated 2025-11-26.

Conditions:
Aicardi-Goutieres syndrome 7 (AGS7). Identifiers: Orphanet 51, MedGen C3888244, MONDO:0014367, OMIM 615846.
Singleton-Merten syndrome 1 (SGMRT1). Also called: Widened medullary cavities of bone, aortic calcification, abnormal dentition, and muscular weakness; Syndrome of widened medullary cavities of the metacarpals and phalanges, aortic calcification and abnormal dentition. Identifiers: Orphanet 85191, MedGen C4225427, MONDO:0024535, OMIM 182250.
Inborn genetic diseases. Identifiers: MedGen C0950123, MeSH D030342.

Allele frequency attached by ClinVar (database versions not stated): TOPMed below 0.00001; gnomAD 0.00001.
gnomAD v4.1: 7 of 1,604,332 alleles (0.00044%); highest among the groups gnomAD compares: Non-Finnish European, 0.0006%; no homozygotes.

Submissions (2):

Ambry Genetics
Classification: Uncertain significance for Inborn genetic diseases. Last evaluated: 2025-11-26. Review status: criteria provided, single submitter. Criteria: Ambry Variant Classification Scheme 2023. Collection method: clinical testing. Allele origin: germline.

Labcorp Genetics (formerly Invitae), Labcorp
Classification: Uncertain significance for Aicardi-Goutieres syndrome 7; Singleton-Merten syndrome 1. Last evaluated: 2023-08-27. Review status: criteria provided, single submitter. Criteria: Invitae Variant Classification Sherloc (09022015). Collection method: clinical testing. Allele origin: germline.
Comment: This sequence change replaces glutamic acid, which is acidic and polar, with lysine, which is basic and polar, at codon 597 of the IFIH1 protein (p.Glu597Lys). This variant is present in population databases (no rsID available, gnomAD 0.0009%). This variant has not been reported in the literature in individuals affected with IFIH1-related conditions. ClinVar contains an entry for this variant (Variation ID: 956769). Advanced modeling of protein sequence and biophysical properties (such as structural, functional, and spatial information, amino acid conservation, physicochemical variation, residue mobility, and thermodynamic stability) has been performed at Invitae for this missense variant, however the output from this modeling did not meet the statistical confidence thresholds required to predict the impact of this variant on IFIH1 protein function. In summary, the available evidence is currently insufficient to determine the role of this variant in disease. Therefore, it has been classified as a Variant of Uncertain Significance.

NM_022168.4(IFIH1):c.1789G>A (p.Glu597Lys)

Gene: IFIH1 (interferon induced with helicase C domain 1; minus strand). Cytogenetic location: 2q24.2.
Variant type: single nucleotide variant.
Coding change: c.1789G>A on transcript NM_022168.4 (MANE Select); coding-DNA position 1789, G replaced by A.
Protein change: p.Glu597Lys; replaces glutamic acid 597 with lysine.
Molecular consequence: missense variant.
Genome position (GRCh38, 1-based): chr2:162,277,670, C>T on the plus strand (G>A on the coding strand, the complement: IFIH1 is on the minus strand). VCF-style: chr2-162277670-C-T. GRCh37 (hg19) VCF-style: chr2-163134180-C-T.
Other names: c.1789G>A (NM_022168.2); short protein forms E597K.
Identifiers: ClinVar variation 956769 (VCV000956769.8), dbSNP rs963903258, ClinGen allele CA59661287.